The following is an entry in ClinVar:

NM_001377.3(DYNC2H1):c.3860G>A (p.Arg1287Gln)

Gene: DYNC2H1 (dynein cytoplasmic 2 heavy chain 1; plus strand). Cytogenetic location: 11q22.3.
Variant type: single nucleotide variant.
Coding change: c.3860G>A on transcript NM_001377.3 (MANE Select); coding-DNA position 3860, G replaced by A.
Protein change: p.Arg1287Gln; replaces arginine 1287 with glutamine.
Molecular consequence: missense variant.
Genome position (GRCh38, 1-based): chr11:103,156,503, G>A. VCF-style: chr11-103156503-G-A. GRCh37 (hg19) VCF-style: chr11-103027232-G-A.
Other names: c.3860G>A, p.Arg1287Gln (NM_001080463.2); c.3860G>A (NM_001080463.1); short protein forms R1287Q.
Identifiers: ClinVar variation 2186914 (VCV002186914.3), dbSNP rs368052358, ClinGen allele CA6253422.

ClinVar aggregate classification (germline): Uncertain significance. Review status: criteria provided, multiple submitters, no conflicts (2 of 4 stars). 2 submissions from 2 submitters: Uncertain significance (2). Last evaluated 2025-08-27.

Conditions:
Inborn genetic diseases. Identifiers: MedGen C0950123, MeSH D030342.
Jeune thoracic dystrophy. Also called: Jeune syndrome; Infantile thoracic dystrophy; Thoracic pelvic phalangeal dystrophy; Jeune's syndrome; Chondroectodermal dysplasia-like syndrome; Short-rib thoracic dysplasia. Identifiers: Orphanet 474, MedGen C0265275, MONDO:0018770.

Allele frequency attached by ClinVar (database versions not stated): gnomAD 0.00004; TOPMed 0.00006; ESP Exome Variant Server 0.00008; 1000 Genomes Project 0.00020; 1000 Genomes Project 30x 0.00031.
gnomAD v4.1: 32 of 1,613,658 alleles (0.002%); highest among the groups gnomAD compares: African/African-American, 0.011%; no homozygotes.

Submissions (2):

Ambry Genetics
Classification: Uncertain significance for Inborn genetic diseases. Last evaluated: 2025-08-27. Review status: criteria provided, single submitter. Criteria: Ambry Variant Classification Scheme 2023. Collection method: clinical testing. Allele origin: germline.

Labcorp Genetics (formerly Invitae), Labcorp
Classification: Uncertain significance for Jeune thoracic dystrophy. Last evaluated: 2022-05-17. Review status: criteria provided, single submitter. Criteria: Invitae Variant Classification Sherloc (09022015). Collection method: clinical testing. Allele origin: germline.
Comment: This sequence change replaces arginine, which is basic and polar, with glutamine, which is neutral and polar, at codon 1287 of the DYNC2H1 protein (p.Arg1287Gln). This variant is present in population databases (rs368052358, gnomAD 0.02%). This variant has not been reported in the literature in individuals affected with DYNC2H1-related conditions. Advanced modeling of protein sequence and biophysical properties (such as structural, functional, and spatial information, amino acid conservation, physicochemical variation, residue mobility, and thermodynamic stability) performed at Invitae indicates that this missense variant is not expected to disrupt DYNC2H1 protein function. In summary, the available evidence is currently insufficient to determine the role of this variant in disease. Therefore, it has been classified as a Variant of Uncertain Significance.